The following is an entry in ClinVar:

ClinVar aggregate classification (germline): Uncertain significance (1 of 4 stars; one submission).

Conditions:
Peutz-Jeghers syndrome (PJS). Also called: Peutz-Jeghers polyposis; Periorificial lentiginosis syndrome; POLYPOSIS, HAMARTOMATOUS INTESTINAL; POLYPS-AND-SPOTS SYNDROME. Identifiers: Orphanet 2869, MedGen C0031269, MeSH D010580, MONDO:0008280, OMIM 175200.

Submission:

Labcorp Genetics (formerly Invitae), Labcorp
Classification: Uncertain significance for Peutz-Jeghers syndrome. Last evaluated: 2020-04-29. Review status: criteria provided, single submitter. Criteria: Invitae Variant Classification Sherloc (09022015). Collection method: clinical testing. Allele origin: germline.
Comment: This sequence change replaces glutamic acid with alanine at codon 120 of the STK11 protein (p.Glu120Ala). The glutamic acid residue is highly conserved and there is a moderate physicochemical difference between glutamic acid and alanine. This variant is not present in population databases (ExAC no frequency). This variant has not been reported in the literature in individuals with STK11-related conditions. Algorithms developed to predict the effect of missense changes on protein structure and function (SIFT, PolyPhen-2, Align-GVGD) all suggest that this variant is likely to be tolerated, but these predictions have not been confirmed by published functional studies and their clinical significance is uncertain. In summary, the available evidence is currently insufficient to determine the role of this variant in disease. Therefore, it has been classified as a Variant of Uncertain Significance.

NM_000455.5(STK11):c.359A>C (p.Glu120Ala)

Gene: STK11 (serine/threonine kinase 11; plus strand). Cytogenetic location: 19p13.3.
Variant type: single nucleotide variant.
Coding change: c.359A>C on transcript NM_000455.5 (MANE Select); coding-DNA position 359, A replaced by C.
Protein change: p.Glu120Ala; replaces glutamic acid 120 with alanine.
Molecular consequence: missense variant.
Genome position (GRCh38, 1-based): chr19:1,218,485, A>C. VCF-style: chr19-1218485-A-C. GRCh37 (hg19) VCF-style: chr19-1218484-A-C.
Other names: short protein forms E120A.
Identifiers: ClinVar variation 1009762 (VCV001009762.8), dbSNP rs1205003744, ClinGen allele CA402947859.